The following is an entry in ClinVar:

NM_002225.5(IVD):c.331G>C (p.Val111Leu)

Gene: IVD (isovaleryl-CoA dehydrogenase; plus strand). Cytogenetic location: 15q15.1.
Variant type: single nucleotide variant.
Coding change: c.331G>C on transcript NM_002225.5 (MANE Select); coding-DNA position 331, G replaced by C.
Protein change: p.Val111Leu; replaces valine 111 with leucine.
Molecular consequence: missense variant. On other transcripts: non-coding transcript variant (1).
Genome position (GRCh38, 1-based): chr15:40,410,672, G>C. VCF-style: chr15-40410672-G-C. GRCh37 (hg19) VCF-style: chr15-40702871-G-C.
Other names: c.241G>C, p.Val81Leu (NM_001159508.3); c.283G>C, p.Val95Leu (NM_001354597.3); c.331G>C, p.Val111Leu (NM_001354598.3, NM_001354601.3); c.418G>C, p.Val140Leu (NM_001354599.3, NM_001354600.3); short protein forms V111L, V140L, V81L, V95L.
Identifiers: ClinVar variation 4815000 (VCV004815000.1).

ClinVar aggregate classification (germline): Likely pathogenic (1 of 4 stars; one submission).

Conditions:
Isovaleryl-CoA dehydrogenase deficiency (IVA). Also called: ISOVALERIC ACID CoA DEHYDROGENASE DEFICIENCY; Isovaleric acidemia; Classic Isovaleric Acidemia; IVD DEFICIENCY. Identifiers: Orphanet 33, MedGen C0268575, MONDO:0009475, OMIM 243500.

Submission:

Natera, Inc.
Classification: Likely pathogenic for Isovaleryl-coa dehydrogenase deficiency. Last evaluated: 2025-09-23. Review status: criteria provided, single submitter. Criteria: Natera Variant Classification Schema (03/2026). Collection method: clinical testing. Allele origin: germline.
Comment: The c.340G>C variant in IVD is a missense variant predicted to cause substitution of valine to leucine at amino acid 114. This variant is rare in the general population with a frequency below the threshold expected for the associated phenotype(s). This variant has been observed in one or more individuals affected with the associated recessive disease, as either homozygous or compound heterozygous with a second variant (PMID: 33210480, 25220015). This variant has been identified in one or more affected individual with a phenotype highly consistent with the associated gene (PMID: 33210480). Computational prediction algorithms indicate this variant is likely to affect gene or protein function. Given the available evidence, this variant is classified as Likely Pathogenic.

Literature cited by the submitters: PubMed 33210480; PubMed 25220015.